The following is an entry in ClinVar:

ClinVar aggregate classification (germline): Pathogenic/Likely pathogenic. Review status: criteria provided, multiple submitters, no conflicts (2 of 4 stars). 11 submissions from 11 submitters: Pathogenic (10); Likely pathogenic (1). Last evaluated 2025-10-20.

Conditions:
Familial prostate cancer. Also called: Hereditary Prostate Cancer. Identifiers: MedGen C2931456, MONDO:0700275, OMIM 176807.
Hereditary cancer-predisposing syndrome. Also called: Neoplastic Syndromes, Hereditary; Tumor predisposition; Hereditary neoplastic syndrome; Hereditary Cancer Syndrome. Identifiers: Orphanet 140162, MedGen C0027672, MeSH D009386, MONDO:0015356.
CHEK2-related cancer predisposition (TPDS4). Also called: TUMOR PREDISPOSITION SYNDROME 4; CANCER PREDISPOSITION SYNDROME, CHEK2-RELATED; CHEK2-related cancer susceptibility. Identifiers: Orphanet 524, MedGen C5882668, MONDO:0700271, OMIM 609265.
Breast-ovarian cancer, familial, susceptibility to, 1 (BROVCA1). Also called: BRCA1 Hereditary Breast and Ovarian Cancer; OVARIAN CANCER, SUSCEPTIBILITY TO. Identifiers: Orphanet 145, MedGen C2676676, MONDO:0011450, OMIM 604370. Disease mechanism: loss of function.
Familial cancer of breast. Also called: hereditary breast carcinoma; BREAST CANCER, FAMILIAL; Hereditary breast cancer. Identifiers: Orphanet 227535, MedGen C0346153, MONDO:0016419, OMIM 114480. Disease mechanism: loss of function.

Allele frequency attached by ClinVar (database versions not stated): gnomAD exomes below 0.00001; ExAC 0.00001; gnomAD 0.00001; TOPMed 0.00001.
gnomAD v4.1: 4 of 1,593,188 alleles (0.00025%); highest among the groups gnomAD compares: Non-Finnish European, 0.00034%; no homozygotes.

Submissions (11):

Color Diagnostics, LLC DBA Color Health
Classification: Pathogenic for Hereditary cancer-predisposing syndrome. Last evaluated: 2025-10-20. Review status: criteria provided, single submitter. Criteria: ACMG Guidelines, 2015. Collection method: clinical testing. Allele origin: germline.
Comment: This variant changes 1 nucleotide in exon 14 of the CHEK2 gene, creating a premature translation stop signal. This variant is expected to result in an absent or non-functional protein product. This variant has been reported in an individual affected with breast cancer (PMID: 30128536) and in an individual affected with ovarian cancer and melanoma (PMID: 27083775). This variant has been identified in 1/229072 chromosomes in the general population by the Genome Aggregation Database (gnomAD). Loss of CHEK2 function is a known mechanism of disease. Based on the available evidence, this variant is classified as Pathogenic.

Labcorp Genetics (formerly Invitae), Labcorp
Classification: Pathogenic for Familial cancer of breast. Last evaluated: 2025-10-16. Review status: criteria provided, single submitter. Criteria: Invitae Variant Classification Sherloc (09022015). Collection method: clinical testing. Allele origin: germline.
Comment: This sequence change creates a premature translational stop signal (p.Gln496*) in the CHEK2 gene. It is expected to result in an absent or disrupted protein product. Loss-of-function variants in CHEK2 are known to be pathogenic (PMID: 21876083, 24713400). This variant is present in population databases (rs756250205, gnomAD 0.0009%). This premature translational stop signal has been observed in individual(s) with melanoma and ovarian cancer (PMID: 27083775). ClinVar contains an entry for this variant (Variation ID: 230455). For these reasons, this variant has been classified as Pathogenic.

Institute of Immunology and Genetics Kaiserslautern
Classification: Pathogenic for Breast-ovarian cancer, familial, susceptibility to, 1. Last evaluated: 2025-07-30. Review status: criteria provided, single submitter. Criteria: ACMG Guidelines, 2015. Collection method: clinical testing. Allele origin: germline. Affected: no.
Comment: ACMG Criteria: PVS1, PM2, PP5.

Ambry Genetics
Classification: Pathogenic for Hereditary cancer-predisposing syndrome. Last evaluated: 2025-05-27. Review status: criteria provided, single submitter. Criteria: Ambry Variant Classification Scheme 2023. Collection method: clinical testing. Allele origin: germline.
Comment: The p.Q496* pathogenic mutation (also known as c.1486C>T) located in coding exon 13 of the CHEK2 gene, results from a C to T substitution at nucleotide position 1486. This changes the amino acid from a glutamine to a stop codon within coding exon 13. This variant was reported as disease causing in a cohort of 439 unselected cancer patients undergoing simultaneous tumor sequencing and germline analysis (Seifert BA et al. Clin. Cancer Res. 2016 Aug;22:4087-94) and also identified in 1/11,416 individuals with breast, ovarian or histories of both cancers and in 0/3988 internal controls (Lu HM et al. JAMA Oncol, 2018 Aug). This variant is considered to be rare based on population cohorts in the Genome Aggregation Database (gnomAD). In addition to the clinical data presented in the literature, this alteration is expected to result in loss of function by premature protein truncation or nonsense-mediated mRNA decay. As such, this alteration is interpreted as a disease-causing mutation.

CeGaT Center for Human Genetics Tuebingen
Classification: Pathogenic. Last evaluated: 2024-11-01. Review status: criteria provided, single submitter. Criteria: CeGaT Center For Human Genetics Tuebingen Variant Classification Criteria Version 2. Collection method: clinical testing. Allele origin: germline. Affected: yes. Observed: 1 variant allele.
Comment: CHEK2: PVS1, PM2

GeneDx
Classification: Likely pathogenic. Last evaluated: 2024-08-26. Review status: criteria provided, single submitter. Criteria: GeneDx Variant Classification Process June 2021. Collection method: clinical testing. Allele origin: germline. Affected: yes.
Comment: Nonsense variant predicted to result in protein truncation, as the last 48 amino acids are lost, and other loss-of-function variants have been reported downstream in HGMD; Not observed at significant frequency in large population cohorts (gnomAD); This variant is associated with the following publications: (PMID: 27083775, 32805687, 31341520, 33471991, 36451132, 31844177, 29625052, 29922827, 26689913, 22419737, 19782031, 38575974)

Baylor Genetics
Classification: Pathogenic for Familial cancer of breast. Last evaluated: 2024-01-03. Review status: criteria provided, single submitter. Criteria: ACMG Guidelines, 2015. Collection method: clinical testing. Allele origin: unknown.

Myriad Genetics, Inc.
Classification: Pathogenic for Familial cancer of breast. Last evaluated: 2023-06-29. Review status: criteria provided, single submitter. Criteria: Myriad Autosomal Dominant, Autosomal Recessive and X-Linked Classification Criteria (2023). Collection method: clinical testing. Allele origin: unknown.
Comment: This variant is considered pathogenic. This variant creates a termination codon and is predicted to result in premature protein truncation.

Women's Health and Genetics/Laboratory Corporation of America, LabCorp
Classification: Pathogenic for Familial prostate cancer. Last evaluated: 2022-07-11. Review status: criteria provided, single submitter. Criteria: LabCorp Variant Classification Summary - May 2015. Collection method: clinical testing. Allele origin: germline.
Comment: Variant summary: CHEK2 c.1486C>T (p.Gln496X) results in a premature termination codon, predicted to cause a truncation of the encoded protein or absence of the protein due to nonsense mediated decay, which are commonly known mechanisms for disease. Truncations downstream of this position have been classified as pathogenic by our laboratory. The variant was absent in 233606 control chromosomes (gnomAD v2.1, exomes dataset). The variant, c.1486C>T, has been reported in the literature in multiple individuals affected with breast-, ovarian-, and prostate cancer and other tumor phenotypes (Seifert_2016, Lu_2018, Nassar_2020, Sutcliffe_2020, Dorling_2021), but was also found in healthy controls (Dorling_2021). These data indicate that the variant is likely to be associated with disease. To our knowledge, no experimental evidence demonstrating an impact on protein function has been reported. Five clinical diagnostic laboratories have submitted clinical-significance assessments for this variant to ClinVar after 2014 without evidence for independent evaluation. All laboratories classified the variant as pathogenic. Based on the evidence outlined above, the variant was classified as pathogenic.

Quest Diagnostics Nichols Institute San Juan Capistrano
Classification: Pathogenic. Last evaluated: 2021-09-02. Review status: criteria provided, single submitter. Criteria: Quest Diagnostics criteria. Collection method: clinical testing. Allele origin: unknown.
Comment: This nonsense variant causes the premature termination of CHEK2 protein synthesis. In addition, it has been identified in individuals with breast or ovarian cancer in the published literature (PMIDs: 30128536 (2018) and 27083775 (2016)). Based on the available information, this variant is classified as pathogenic.

Institute of Medical Genetics and Applied Genomics, University Hospital Tübingen
Classification: Pathogenic. Last evaluated: 2021-02-01. Review status: criteria provided, single submitter. Criteria: ACMG Guidelines, 2015. Collection method: clinical testing. Allele origin: germline. Inheritance: Autosomal dominant inheritance. Affected: yes.

Literature cited by the submitters: PubMed 27083775 (cited by 5 submitters); PubMed 30128536 (cited by 4 submitters); PubMed 21876083 (cited by Labcorp Genetics (formerly Invitae), Labcorp); PubMed 24713400 (cited by Labcorp Genetics (formerly Invitae), Labcorp); PubMed 31844177 (cited by Women's Health and Genetics/Laboratory Corporation of America, LabCorp); PubMed 33471991 (cited by Women's Health and Genetics/Laboratory Corporation of America, LabCorp); PubMed 32805687 (cited by Women's Health and Genetics/Laboratory Corporation of America, LabCorp).

NM_007194.4(CHEK2):c.1486C>T (p.Gln496Ter)

Gene: CHEK2 (checkpoint kinase 2; minus strand). Cytogenetic location: 22q12.1.
Variant type: single nucleotide variant.
Coding change: c.1486C>T on transcript NM_007194.4 (MANE Select); coding-DNA position 1486, C replaced by T.
Protein change: p.Gln496Ter; replaces glutamine 496 with a stop codon.
Molecular consequence: nonsense.
Genome position (GRCh38, 1-based): chr22:28,689,191, G>A on the plus strand (C>T on the coding strand, the complement: CHEK2 is on the minus strand). VCF-style: chr22-28689191-G-A. GRCh37 (hg19) VCF-style: chr22-29085179-G-A.
Other names: c.1615C>T, p.Gln539Ter (NM_001005735.3); c.823C>T, p.Gln275Ter (NM_001257387.3); c.1285C>T, p.Gln429Ter (NM_001349956.3); c.1399C>T, p.Gln467Ter (NM_145862.3); short protein forms Q496*, Q275*, Q429*, Q467*, Q539*.
Identifiers: ClinVar variation 230455 (VCV000230455.47), dbSNP rs756250205, ClinGen allele CA10167625.